The following is an entry in ClinVar:

ClinVar aggregate classification (germline): Pathogenic (1 of 4 stars; one submission).

Conditions:
Pfeiffer syndrome (ACS5). Also called: ACS V. Identifiers: Orphanet 710, MedGen C0220658, MONDO:0007043, OMIM 101600.
Hypogonadotropic hypogonadism 2 with or without anosmia (HH2). Also called: HYPOGONADOTROPIC HYPOGONADISM 2 WITHOUT ANOSMIA; FGFR1-Related GnRH Deficiency (Kallmann Syndrome 2); HYPOGONADOTROPIC HYPOGONADISM 2 WITH OR WITHOUT ANOSMIA, SUSCEPTIBILITY TO; HYPOGONADOTROPIC HYPOGONADISM 2 WITHOUT ANOSMIA, SUSCEPTIBILITY TO. Identifiers: Orphanet 478, MedGen C1563720, MONDO:0007844, OMIM 147950. Disease mechanism: loss of function.

Submission:

Labcorp Genetics (formerly Invitae), Labcorp
Classification: Pathogenic for Pfeiffer syndrome; Hypogonadotropic hypogonadism 2 with or without anosmia. Last evaluated: 2019-06-25. Review status: criteria provided, single submitter. Criteria: Invitae Variant Classification Sherloc (09022015). Collection method: clinical testing. Allele origin: germline.
Comment: This variant is a gross deletion of the genomic region encompassing exons 2-7 of the FGFR1 gene, which includes the initiator codon. The 5' end of this event is unknown as it extends beyond the assayed region for this gene and therefore may encompass additional genes. The 3' boundary is likely confined to intron 7 of the FGFR1 gene. This is expected to result in an absent or disrupted protein product. For these reasons, this variant has been classified as Pathogenic. Loss-of-function variants in FGFR1 are known to be pathogenic (PMID: 12627230). This variant has not been reported in the literature in individuals with FGFR1-related conditions.

Literature cited by the submitters: PubMed 12627230.

NC_000008.11:g.(?_38424489)_(38461126_?)del

Gene: FGFR1 (fibroblast growth factor receptor 1; minus strand). Cytogenetic location: 8p11.23-11.22.
Variant type: Deletion.
Identifiers: ClinVar variation 832441 (VCV000832441.5).